The following is an entry in ClinVar:

ClinVar aggregate classification (germline): Pathogenic (1 of 4 stars; one submission).

Conditions:
Hereditary cancer-predisposing syndrome. Also called: Tumor predisposition; Neoplastic Syndromes, Hereditary; Hereditary Cancer Syndrome; Hereditary neoplastic syndrome. Identifiers: Orphanet 140162, MedGen C0027672, MeSH D009386, MONDO:0015356.

Submission:

Ambry Genetics
Classification: Pathogenic for Hereditary cancer-predisposing syndrome. Last evaluated: 2024-10-17. Review status: criteria provided, single submitter. Criteria: Ambry Variant Classification Scheme 2023. Collection method: clinical testing. Allele origin: germline.
Comment: The c.3867_3869delATGinsTAATT pathogenic mutation, located in coding exon 10 of the BRCA2 gene, results from the deletion of 3 nucleotides and insertion of 5 nucleotides causing a translational frameshift with a predicted alternate stop codon (p.K1289Nfs*5). This variant is considered to be rare based on population cohorts in the Genome Aggregation Database (gnomAD). This alteration is expected to result in loss of function by premature protein truncation or nonsense-mediated mRNA decay. As such, this alteration is interpreted as a disease-causing mutation.

NM_000059.4(BRCA2):c.3867_3869delinsTAATT (p.Lys1289fs)

Gene: BRCA2 (BRCA2 DNA repair associated; plus strand). Cytogenetic location: 13q13.1.
Variant type: Indel.
Coding change: c.3867_3869delinsTAATT on transcript NM_000059.4 (MANE Select); coding-DNA positions 3867 to 3869, ATG replaced by TAATT.
Protein change: p.Lys1289fs; shifts the reading frame from lysine 1289.
Molecular consequence: frameshift variant. On other transcripts: non-coding transcript variant (1), intron variant (2).
Genome position (GRCh38, 1-based): chr13:32,338,222-32,338,224, ATG replaced by TAATT. VCF-style: chr13-32338222-ATG-TAATT. GRCh37 (hg19) VCF-style: chr13-32912359-ATG-TAATT.
Other names: c.3867_3869delinsTAATT, p.Lys1289fs (NM_001406719.1, NM_001406720.1, NM_001432077.1); c.1909+4835_1909+4837delinsTAATT (NM_001406721.1); c.425-6336_425-6334delinsTAATT (NM_001406722.1); short protein forms K1289fs.
Identifiers: ClinVar variation 3482140 (VCV003482140.1).